The following is an entry in ClinVar:

NM_006922.4(SCN3A):c.4829T>C (p.Ile1610Thr)

Gene: SCN3A (sodium voltage-gated channel alpha subunit 3; minus strand). Cytogenetic location: 2q24.3.
Variant type: single nucleotide variant.
Coding change: c.4829T>C on transcript NM_006922.4 (MANE Select); coding-DNA position 4829, T replaced by C.
Protein change: p.Ile1610Thr; replaces isoleucine 1610 with threonine.
Molecular consequence: missense variant.
Genome position (GRCh38, 1-based): chr2:165,091,324, A>G on the plus strand (T>C on the coding strand, the complement: SCN3A is on the minus strand). VCF-style: chr2-165091324-A-G. GRCh37 (hg19) VCF-style: chr2-165947834-A-G.
Other names: c.4829T>C (NM_006922.3); c.4682T>C, p.Ile1561Thr (NM_001081676.2, NM_001081677.2); short protein forms I1610T, I1561T.
Identifiers: ClinVar variation 3693457 (VCV003693457.3).

ClinVar aggregate classification (germline): Uncertain significance. Review status: criteria provided, multiple submitters, no conflicts (2 of 4 stars). 2 submissions from 2 submitters: Uncertain significance (2). Last evaluated 2024-11-05.

gnomAD v4.1: 3 of 1,614,002 alleles (0.00019%); highest among the groups gnomAD compares: South Asian, 0.0011%; no homozygotes.

Submissions (2):

GeneDx
Classification: Uncertain significance. Last evaluated: 2024-11-05. Review status: criteria provided, single submitter. Criteria: GeneDx Variant Classification Process June 2021. Collection method: clinical testing. Allele origin: germline. Affected: yes.
Comment: Not observed at significant frequency in large population cohorts (gnomAD); In silico analysis supports that this missense variant has a deleterious effect on protein structure/function; Has not been previously published as pathogenic or benign to our knowledge

Labcorp Genetics (formerly Invitae), Labcorp
Classification: Uncertain significance. Last evaluated: 2024-10-30. Review status: criteria provided, single submitter. Criteria: Invitae Variant Classification Sherloc (09022015). Collection method: clinical testing. Allele origin: germline.
Comment: This sequence change replaces isoleucine, which is neutral and non-polar, with threonine, which is neutral and polar, at codon 1610 of the SCN3A protein (p.Ile1610Thr). This variant is present in population databases (rs766639044, gnomAD 0.003%). This variant has not been reported in the literature in individuals affected with SCN3A-related conditions. Invitae Evidence Modeling of protein sequence and biophysical properties (such as structural, functional, and spatial information, amino acid conservation, physicochemical variation, residue mobility, and thermodynamic stability) has been performed for this missense variant. However, the output from this modeling did not meet the statistical confidence thresholds required to predict the impact of this variant on SCN3A protein function. In summary, the available evidence is currently insufficient to determine the role of this variant in disease. Therefore, it has been classified as a Variant of Uncertain Significance.